The following is an entry in ClinVar:

ClinVar aggregate classification (germline): Benign/Likely benign. Review status: criteria provided, multiple submitters, no conflicts (2 of 4 stars). 4 submissions from 4 submitters: Benign (1); Likely benign (3). Last evaluated 2024-08-06.

Conditions:
Hereditary cancer-predisposing syndrome. Also called: Neoplastic Syndromes, Hereditary; Tumor predisposition; Hereditary Cancer Syndrome; Hereditary neoplastic syndrome. Identifiers: Orphanet 140162, MedGen C0027672, MeSH D009386, MONDO:0015356.
Juvenile polyposis syndrome (JPS). Identifiers: Orphanet 2929, MedGen C0345893, MONDO:0017380, OMIM 174900.

Allele frequency attached by ClinVar (database versions not stated): gnomAD exomes below 0.00001.
gnomAD v4.1: 1 of 1,613,626 alleles (0.000062%); highest among the groups gnomAD compares: Non-Finnish European, 0.000085%; no homozygotes.

Submissions (4):

Myriad Genetics, Inc.
Classification: Benign for Juvenile polyposis syndrome. Last evaluated: 2024-08-06. Review status: criteria provided, single submitter. Criteria: Myriad Autosomal Dominant, Autosomal Recessive and X-Linked Classification Criteria (2023). Collection method: clinical testing. Allele origin: unknown.
Comment: This variant is considered benign. This variant is a silent/synonymous amino acid change and it is not expected to impact splicing.

All of Us Research Program, National Institutes of Health
Classification: Likely benign for Juvenile polyposis syndrome. Last evaluated: 2023-10-27. Review status: criteria provided, single submitter. Criteria: ACMG Guidelines, 2015. Collection method: clinical testing. Allele origin: germline. Inheritance: Autosomal dominant inheritance. Observed: 1 variant allele, 1 heterozygote.
Comment: This study involves interpretation of variants in research participants for the purpose of population health screening. Participant phenotype was not available at the time of variant classification. Additional details can be found in publication PMID: 35346344, PMCID: PMC8962531

Labcorp Genetics (formerly Invitae), Labcorp
Classification: Likely benign for Juvenile polyposis syndrome. Last evaluated: 2023-09-01. Review status: criteria provided, single submitter. Criteria: Invitae Variant Classification Sherloc (09022015). Collection method: clinical testing. Allele origin: germline.

Ambry Genetics
Classification: Likely benign for Hereditary cancer-predisposing syndrome. Last evaluated: 2022-09-12. Review status: criteria provided, single submitter. Criteria: Ambry Variant Classification Scheme 2023. Collection method: clinical testing. Allele origin: germline.

NM_004329.3(BMPR1A):c.1029C>T (p.Cys343=)

Gene: BMPR1A (bone morphogenetic protein receptor type 1A; plus strand). Cytogenetic location: 10q23.2.
Variant type: single nucleotide variant.
Coding change: c.1029C>T on transcript NM_004329.3 (MANE Select); coding-DNA position 1029, C replaced by T.
Protein change: p.Cys343=; no amino-acid change (cysteine 343 retained).
Molecular consequence: synonymous variant.
Genome position (GRCh38, 1-based): chr10:86,919,332, C>T. VCF-style: chr10-86919332-C-T. GRCh37 (hg19) VCF-style: chr10-88679089-C-T.
Identifiers: ClinVar variation 1572987 (VCV001572987.12), dbSNP rs2133591953, ClinGen allele CA470373059.